The following is an entry in ClinVar:

ClinVar aggregate classification (germline): Likely benign. Review status: reviewed by expert panel (3 of 4 stars). 5 submissions from 5 submitters: Likely benign (1). 4 of the submissions do not count toward it. Last evaluated 2017-06-29.

Conditions:
Hereditary cancer-predisposing syndrome. Also called: Tumor predisposition; Hereditary Cancer Syndrome; Hereditary neoplastic syndrome; Neoplastic Syndromes, Hereditary. Identifiers: Orphanet 140162, MedGen C0027672, MeSH D009386, MONDO:0015356.
Hereditary breast ovarian cancer syndrome. Also called: Breast and ovarian cancer; BRCA1- and BRCA2-Associated Hereditary Breast and Ovarian Cancer; Hereditary breast and ovarian cancer; Hereditary breast and ovarian cancer syndrome (HBOC); Hereditary breast and ovarian cancer syndrome; Hereditary breast and/or ovarian cancer syndrome. Identifiers: Orphanet 145, MedGen C0677776, MeSH D061325, MONDO:0003582. Disease mechanism: loss of function.
Breast-ovarian cancer, familial, susceptibility to, 2 (BROVCA2). Also called: BRCA2 Hereditary Breast and Ovarian Cancer. Identifiers: Orphanet 145, MedGen C2675520, MONDO:0012933, OMIM 612555. Disease mechanism: loss of function.

Allele frequency attached by ClinVar (database versions not stated): ExAC 0.00001; gnomAD exomes 0.00001.
gnomAD v4.1: 5 of 1,614,116 alleles (0.00031%); highest among the groups gnomAD compares: South Asian, 0.0022%; no homozygotes.

Submissions (5):

Evidence-based Network for the Interpretation of Germline Mutant Alleles (ENIGMA)
Classification: Likely benign for Breast-ovarian cancer, familial, susceptibility to, 2. Last evaluated: 2017-06-29. Review status: reviewed by expert panel. Criteria: ENIGMA BRCA1/2 Classification Criteria (2017-06-29). Collection method: curation. Allele origin: germline.
Comment: Synonymous substitution variant, with low bioinformatic likelihood to result in a splicing aberration (Splicing prior probability 0.02).

Labcorp Genetics (formerly Invitae), Labcorp
Classification: Likely benign for Hereditary breast ovarian cancer syndrome. Last evaluated: 2025-05-05. Review status: criteria provided, single submitter. Criteria: Invitae Variant Classification Sherloc (09022015). Collection method: clinical testing. Allele origin: germline. Not counted in ClinVar's aggregate classification.

Blueprint Genetics
Classification: Likely benign. Last evaluated: 2023-07-14. Review status: criteria provided, single submitter. Criteria: ACMG Guidelines, 2015. Collection method: clinical testing. Allele origin: germline. Not counted in ClinVar's aggregate classification.

Ambry Genetics
Classification: Likely benign for Hereditary cancer-predisposing syndrome. Last evaluated: 2022-09-04. Review status: criteria provided, single submitter. Criteria: Ambry Variant Classification Scheme 2023. Collection method: clinical testing. Allele origin: germline. Not counted in ClinVar's aggregate classification.

Color Diagnostics, LLC DBA Color Health
Classification: Likely benign for Hereditary cancer-predisposing syndrome. Last evaluated: 2021-11-16. Review status: criteria provided, single submitter. Criteria: ACMG Guidelines, 2015. Collection method: clinical testing. Allele origin: germline. Not counted in ClinVar's aggregate classification.

NM_000059.4(BRCA2):c.9177A>G (p.Lys3059=)

Gene: BRCA2 (BRCA2 DNA repair associated; plus strand). Cytogenetic location: 13q13.1.
Variant type: single nucleotide variant.
Coding change: c.9177A>G on transcript NM_000059.4 (MANE Select); coding-DNA position 9177, A replaced by G.
Protein change: p.Lys3059=; no amino-acid change (lysine 3059 retained).
Molecular consequence: synonymous variant.
Genome position (GRCh38, 1-based): chr13:32,380,066, A>G. VCF-style: chr13-32380066-A-G. GRCh37 (hg19) VCF-style: chr13-32954203-A-G.
Identifiers: ClinVar variation 427529 (VCV000427529.17), dbSNP rs201561974, ClinGen allele CA6941351.